The following is an entry in ClinVar:

NM_000361.3(THBD):c.1678G>C (p.Glu560Gln)

Gene: THBD (thrombomodulin; minus strand). Cytogenetic location: 20p11.21.
Variant type: single nucleotide variant.
Coding change: c.1678G>C on transcript NM_000361.3 (MANE Select); coding-DNA position 1678, G replaced by C.
Protein change: p.Glu560Gln; replaces glutamic acid 560 with glutamine.
Molecular consequence: missense variant.
Genome position (GRCh38, 1-based): chr20:23,047,827, C>G on the plus strand (G>C on the coding strand, the complement: THBD is on the minus strand). VCF-style: chr20-23047827-C-G. GRCh37 (hg19) VCF-style: chr20-23028464-C-G.
Other names: short protein forms E560Q.
Identifiers: ClinVar variation 1163744 (VCV001163744.17), dbSNP rs201487514, ClinGen allele CA9787512.
Genomic context (GRCh38, chr20:23,047,827, plus strand): 5'-CGGAGGCCGCTCAGAGTCTCTGCGGCGTCCGCTCGGTCCGCACGTGCTGCAGCACTACCT[C>G]CTTGGAAGGGGCCGCGCACTTGTACTCCATCTTGGCCCTGGCGGCGCCCTGCTTCTTGCG-3'
Protein context (NP_000352.1, residues 550-570): MEYKCAAPSK[Glu560Gln]VVLQHVRTER

ClinVar aggregate classification (germline): Uncertain significance. Review status: criteria provided, multiple submitters, no conflicts (2 of 4 stars). 6 submissions from 6 submitters: Uncertain significance (6). Last evaluated 2026-01-19.

Conditions:
Atypical hemolytic-uremic syndrome with thrombomodulin anomaly. Also called: HEMOLYTIC UREMIC SYNDROME, ATYPICAL, SUSCEPTIBILITY TO, 6; AHUS, SUSCEPTIBILITY TO, 6. Identifiers: MedGen C2752036, MONDO:0013044, OMIM 612926. Disease mechanism: gain of function.
Thrombomodulin-related bleeding disorder (THPH12). Also called: Thrombophilia due to thrombomodulin defect. Identifiers: Orphanet 436169, MedGen C3280976, MONDO:0013775, OMIM 614486.
Inborn genetic diseases. Identifiers: MedGen C0950123, MeSH D030342.

Allele frequency attached by ClinVar (database versions not stated): gnomAD 0.00002; gnomAD exomes 0.00002; ESP Exome Variant Server 0.00015.

Submissions (6):

Labcorp Genetics (formerly Invitae), Labcorp
Classification: Uncertain significance. Last evaluated: 2026-01-19. Review status: criteria provided, single submitter. Criteria: Invitae Variant Classification Sherloc (09022015). Collection method: clinical testing. Allele origin: germline.
Comment: This sequence change replaces glutamic acid, which is acidic and polar, with glutamine, which is neutral and polar, at codon 560 of the THBD protein (p.Glu560Gln). This variant is present in population databases (rs201487514, gnomAD 0.01%). This missense change has been observed in individual(s) with clinical features of THBD-related conditions (PMID: 29282226, 37120715). This variant is also known as c.1878G>C (p.Glu560Gn). ClinVar contains an entry for this variant (Variation ID: 1163744). An algorithm developed to predict the effect of missense changes on protein structure and function (PolyPhen-2) suggests that this variant is likely to be disruptive. In summary, the available evidence is currently insufficient to determine the role of this variant in disease. Therefore, it has been classified as a Variant of Uncertain Significance.

Genomenon, Inc
Classification: Uncertain significance for Thrombomodulin-related bleeding disorder. Last evaluated: 2025-09-22. Review status: criteria provided, single submitter. Criteria: Genomenon Sequence Variant Interpretation Standards - Updated. Collection method: curation. Allele origin: germline. Affected: no.
Comment: THBD p.Glu560Gln (c.1678G>C) is a missense variant that changes the amino acid at residue 560 from Glutamic acid to Glutamine. This variant has been reported in the published literature (PMID:31791575;29282226). It is absent or not present at a significant frequency in gnomAD. In conclusion, we classify THBD p.Glu560Gln (c.1678G>C) as a variant of unknown significance.

Ambry Genetics
Classification: Uncertain significance for Inborn genetic diseases. Last evaluated: 2024-11-21. Review status: criteria provided, single submitter. Criteria: Ambry Variant Classification Scheme 2023. Collection method: clinical testing. Allele origin: germline.

Blueprint Genetics
Classification: Uncertain significance. Last evaluated: 2024-10-09. Review status: criteria provided, single submitter. Criteria: ACMG Guidelines, 2015. Collection method: clinical testing. Allele origin: germline.

Fulgent Genetics
Classification: Uncertain significance for Atypical hemolytic-uremic syndrome with thrombomodulin anomaly; Thrombomodulin-related bleeding disorder. Last evaluated: 2024-05-25. Review status: criteria provided, single submitter. Criteria: ACMG Guidelines, 2015. Collection method: clinical testing. Allele origin: germline.

Mayo Clinic Laboratories, Mayo Clinic
Classification: Uncertain significance. Last evaluated: 2020-08-18. Review status: criteria provided, single submitter. Criteria: ACMG Guidelines, 2015. Collection method: clinical testing. Allele origin: germline. Observed: 1 variant allele.

Literature cited by the submitters: PubMed 29282226 (cited by Labcorp Genetics (formerly Invitae), Labcorp and Genomenon, Inc); PubMed 37120715 (cited by Labcorp Genetics (formerly Invitae), Labcorp); PubMed 31791575 (cited by Genomenon, Inc).